The following is an entry in ClinVar:

ClinVar aggregate classification (germline): Uncertain significance (1 of 4 stars; one submission).

Conditions:
Immunodeficiency 35 (IMD35). Also called: HIES WITH ATYPICAL MYCOBACTERIOSIS, AUTOSOMAL RECESSIVE; HYPER-IgE SYNDROME WITH ATYPICAL MYCOBACTERIOSIS, AUTOSOMAL RECESSIVE; TYK2 DEFICIENCY; Susceptibility to infection due to TYK2 deficiency. Identifiers: Orphanet 331226, MedGen C1969086, MONDO:0012682, OMIM 611521.

Submission:

Labcorp Genetics (formerly Invitae), Labcorp
Classification: Uncertain significance for Immunodeficiency 35. Last evaluated: 2021-10-22. Review status: criteria provided, single submitter. Criteria: Invitae Variant Classification Sherloc (09022015). Collection method: clinical testing. Allele origin: germline.
Comment: In summary, the available evidence is currently insufficient to determine the role of this variant in disease. Therefore, it has been classified as a Variant of Uncertain Significance. Algorithms developed to predict the effect of missense changes on protein structure and function are either unavailable or do not agree on the potential impact of this missense change (SIFT: "Not Available"; PolyPhen-2: "Probably Damaging"; Align-GVGD: "Not Available"). This variant has not been reported in the literature in individuals affected with TYK2-related conditions. This variant is not present in population databases (ExAC no frequency). This sequence change replaces valine with methionine at codon 678 of the TYK2 protein (p.Val678Met). The valine residue is highly conserved and there is a small physicochemical difference between valine and methionine.

NM_003331.5(TYK2):c.2032G>A (p.Val678Met)

Gene: TYK2 (tyrosine kinase 2; minus strand). Cytogenetic location: 19p13.2.
Variant type: single nucleotide variant.
Coding change: c.2032G>A on transcript NM_003331.5 (MANE Select); coding-DNA position 2032, G replaced by A.
Protein change: p.Val678Met; replaces valine 678 with methionine.
Molecular consequence: missense variant.
Genome position (GRCh38, 1-based): chr19:10,361,526, C>T on the plus strand (G>A on the coding strand, the complement: TYK2 is on the minus strand). VCF-style: chr19-10361526-C-T. GRCh37 (hg19) VCF-style: chr19-10472202-C-T.
Other names: c.2014G>A, p.Val672Met (NM_001385207.1); c.2032G>A, p.Val678Met (NM_001385197.1, NM_001385198.1, NM_001385200.1 and 2 more transcripts); c.1846G>A, p.Val616Met (NM_001385199.1); c.1834G>A, p.Val612Met (NM_001385201.1); c.1948G>A, p.Val650Met (NM_001385202.1); c.1942G>A, p.Val648Met (NM_001385205.1); c.1906G>A, p.Val636Met (NM_001385206.1); short protein forms V612M, V648M, V616M, V672M, V636M, V650M, V678M.
Identifiers: ClinVar variation 1498697 (VCV001498697.4), dbSNP rs1568333725, ClinGen allele CA404001687.